The following is an entry in ClinVar:

ClinVar aggregate classification (germline): Uncertain significance. Review status: criteria provided, multiple submitters, no conflicts (2 of 4 stars). 2 submissions from 2 submitters: Uncertain significance (2). Last evaluated 2025-01-24.

Conditions:
Inborn genetic diseases. Identifiers: MedGen C0950123, MeSH D030342.
Spastic paraplegia. Identifiers: MedGen C0037772, HP:0001258.

Allele frequency attached by ClinVar (database versions not stated): TOPMed below 0.00001; gnomAD 0.00001.

Submissions (2):

Ambry Genetics
Classification: Uncertain significance for Inborn genetic diseases. Last evaluated: 2025-01-24. Review status: criteria provided, single submitter. Criteria: Ambry Variant Classification Scheme 2023. Collection method: clinical testing. Allele origin: germline.

Labcorp Genetics (formerly Invitae), Labcorp
Classification: Uncertain significance for Spastic paraplegia. Last evaluated: 2020-12-21. Review status: criteria provided, single submitter. Criteria: Invitae Variant Classification Sherloc (09022015). Collection method: clinical testing. Allele origin: germline.
Comment: Algorithms developed to predict the effect of missense changes on protein structure and function (SIFT, PolyPhen-2, Align-GVGD) all suggest that this variant is likely to be disruptive, but these predictions have not been confirmed by published functional studies and their clinical significance is uncertain. In summary, the available evidence is currently insufficient to determine the role of this variant in disease. Therefore, it has been classified as a Variant of Uncertain Significance. This variant has not been reported in the literature in individuals with GBA2-related conditions. This variant is not present in population databases (ExAC no frequency). This sequence change replaces tyrosine with cysteine at codon 676 of the GBA2 protein (p.Tyr676Cys). The tyrosine residue is highly conserved and there is a large physicochemical difference between tyrosine and cysteine.

NM_020944.3(GBA2):c.2027A>G (p.Tyr676Cys)

Gene: GBA2 (glucosylceramidase beta 2; minus strand). Cytogenetic location: 9p13.3.
Variant type: single nucleotide variant.
Coding change: c.2027A>G on transcript NM_020944.3 (MANE Select); coding-DNA position 2027, A replaced by G.
Protein change: p.Tyr676Cys; replaces tyrosine 676 with cysteine.
Molecular consequence: missense variant.
Genome position (GRCh38, 1-based): chr9:35,738,553, T>C on the plus strand (A>G on the coding strand, the complement: GBA2 is on the minus strand). VCF-style: chr9-35738553-T-C. GRCh37 (hg19) VCF-style: chr9-35738550-T-C.
Other names: c.2027A>G, p.Tyr676Cys (NM_001330660.2); c.2027A>G (NM_020944.2); short protein forms Y676C.
Identifiers: ClinVar variation 1388659 (VCV001388659.7), dbSNP rs1301982587, ClinGen allele CA373408709.